The following is an entry in ClinVar:

ClinVar aggregate classification (germline): Likely pathogenic (1 of 4 stars; one submission).

Conditions:
Alagille syndrome due to a JAG1 point mutation. Also called: HEPATIC DUCTULAR HYPOPLASIA, SYNDROMATIC; Alagille Syndrome 1; JAG1-Related Alagille Syndrome. Identifiers: Orphanet 261619, Orphanet 52, MedGen C1956125, MONDO:0016862, OMIM 118450.

Submission:

Molecular Genetics Laboratory, CHU Lille
Classification: Likely pathogenic for Alagille syndrome due to a JAG1 point mutation. Last evaluated: 2026-08-19. Review status: criteria provided, single submitter. Criteria: ACMG Guidelines, 2015. Collection method: clinical testing. Allele origin: germline. Affected: yes.
Comment: This is a nonsense variant predicted to result in a premature stop codon, likely leading to an absent or disrupted protein product. Furthermore, it is absent from public databases including gnomAD. In summary, this variant meets the criteria to be classified as likely pathogenic for alagille syndrome based on the applied ACMG/AMP guidelines (PVS1, PM2),

NM_000214.3(JAG1):c.2073T>A (p.Cys691Ter)

Gene: JAG1 (jagged canonical Notch ligand 1; minus strand). Cytogenetic location: 20p12.2.
Variant type: single nucleotide variant.
Coding change: c.2073T>A on transcript NM_000214.3 (MANE Select); coding-DNA position 2073, T replaced by A.
Protein change: p.Cys691Ter; replaces cysteine 691 with a stop codon.
Molecular consequence: nonsense.
Genome position (GRCh38, 1-based): chr20:10,645,396, A>T on the plus strand (T>A on the coding strand, the complement: JAG1 is on the minus strand). VCF-style: chr20-10645396-A-T. GRCh37 (hg19) VCF-style: chr20-10626044-A-T.
Other names: short protein forms C691*.
Identifiers: ClinVar variation 4886935 (VCV004886935.1).